The following is an entry in ClinVar:

NM_003995.4(NPR2):c.1511C>G (p.Ser504Ter)

Gene: NPR2 (natriuretic peptide receptor 2; plus strand). Cytogenetic location: 9p13.3.
Variant type: single nucleotide variant.
Coding change: c.1511C>G on transcript NM_003995.4 (MANE Select); coding-DNA position 1511, C replaced by G.
Protein change: p.Ser504Ter; replaces serine 504 with a stop codon.
Molecular consequence: nonsense.
Genome position (GRCh38, 1-based): chr9:35,801,717, C>G. VCF-style: chr9-35801717-C-G. GRCh37 (hg19) VCF-style: chr9-35801714-C-G.
Other names: c.1520C>G, p.Ser507Ter (NM_001378923.1); short protein forms S504*, S507*.
Identifiers: ClinVar variation 2032731 (VCV002032731.4), dbSNP rs2491049875, ClinGen allele CA373372667.

ClinVar aggregate classification (germline): Pathogenic (1 of 4 stars; one submission).

Conditions:
Acromesomelic dysplasia 1, Maroteaux type (AMD1). Also called: ACROMESOMELIC DYSPLASIA 1; ST. HELENA DYSPLASIA. Identifiers: Orphanet 40, MedGen C1864356, MONDO:0011275, OMIM 602875.
Tall stature-scoliosis-macrodactyly of the great toes syndrome. Also called: Epiphyseal chondrodysplasia, miura type. Identifiers: Orphanet 329191, MedGen C4014690, MONDO:0014401, OMIM 615923.

Submission:

Labcorp Genetics (formerly Invitae), Labcorp
Classification: Pathogenic for Tall stature-scoliosis-macrodactyly of the great toes syndrome; Acromesomelic dysplasia 1, Maroteaux type. Last evaluated: 2022-10-04. Review status: criteria provided, single submitter. Criteria: Invitae Variant Classification Sherloc (09022015). Collection method: clinical testing. Allele origin: germline.
Comment: This sequence change creates a premature translational stop signal (p.Ser504*) in the NPR2 gene. It is expected to result in an absent or disrupted protein product. Loss-of-function variants in NPR2 are known to be pathogenic (PMID: 15146390, 15572448, 16384845). This variant is not present in population databases (gnomAD no frequency). This variant has not been reported in the literature in individuals affected with NPR2-related conditions. For these reasons, this variant has been classified as Pathogenic.

Literature cited by the submitters: PubMed 15146390; PubMed 15572448; PubMed 16384845.